The following is an entry in ClinVar:

ClinVar aggregate classification (germline): Uncertain significance (1 of 4 stars; one submission).

Conditions:
Mendelian susceptibility to mycobacterial diseases due to complete IL12RB1 deficiency. Also called: IL12RB1 DEFICIENCY; Immunodeficiency 30. Identifiers: Orphanet 319552, MedGen C4013949, MONDO:0013955, OMIM 614891.

Allele frequency attached by ClinVar (database versions not stated): gnomAD exomes below 0.00001; ExAC 0.00001; gnomAD 0.00001; TOPMed 0.00001.
gnomAD v4.1: 8 of 1,613,472 alleles (0.0005%); highest among the groups gnomAD compares: Non-Finnish European, 0.00059%; no homozygotes.

Submission:

Labcorp Genetics (formerly Invitae), Labcorp
Classification: Uncertain significance for Mendelian susceptibility to mycobacterial diseases due to complete IL12RB1 deficiency. Last evaluated: 2023-12-11. Review status: criteria provided, single submitter. Criteria: Invitae Variant Classification Sherloc (09022015). Collection method: clinical testing. Allele origin: germline.
Comment: This sequence change replaces glycine, which is neutral and non-polar, with valine, which is neutral and non-polar, at codon 68 of the IL12RB1 protein (p.Gly68Val). This variant is present in population databases (rs749368055, gnomAD 0.002%). This variant has not been reported in the literature in individuals affected with IL12RB1-related conditions. ClinVar contains an entry for this variant (Variation ID: 1922184). Advanced modeling of protein sequence and biophysical properties (such as structural, functional, and spatial information, amino acid conservation, physicochemical variation, residue mobility, and thermodynamic stability) performed at Invitae indicates that this missense variant is expected to disrupt IL12RB1 protein function with a positive predictive value of 80%. In summary, the available evidence is currently insufficient to determine the role of this variant in disease. Therefore, it has been classified as a Variant of Uncertain Significance.

NM_005535.3(IL12RB1):c.203G>T (p.Gly68Val)

Gene: IL12RB1 (interleukin 12 receptor subunit beta 1; minus strand). Cytogenetic location: 19p13.11.
Variant type: single nucleotide variant.
Coding change: c.203G>T on transcript NM_005535.3 (MANE Select); coding-DNA position 203, G replaced by T.
Protein change: p.Gly68Val; replaces glycine 68 with valine.
Molecular consequence: missense variant.
Genome position (GRCh38, 1-based): chr19:18,082,186, C>A on the plus strand (G>T on the coding strand, the complement: IL12RB1 is on the minus strand). VCF-style: chr19-18082186-C-A. GRCh37 (hg19) VCF-style: chr19-18192996-C-A.
Other names: c.203G>T, p.Gly68Val (NM_001290023.2, NM_153701.3); c.323G>T, p.Gly108Val (NM_001290024.2); short protein forms G108V, G68V.
Identifiers: ClinVar variation 1922184 (VCV001922184.3), dbSNP rs749368055, ClinGen allele CA9305305.
Genomic context (GRCh38, chr19:18,082,186, plus strand): 5'-TGGGAATGGTAGAGGGGTCCTCACCAACACCGCAGGAAGTGGCTGACCCCAGCTGTGGGA[C>A]CCTCATACTGCCAGGAGCACTCGTAACGATCACTGGATATCCGATAGCATCTCAGGTCCC-3'
Protein context (NP_005526.1, residues 58-78): DRYECSWQYE[Gly68Val]PTAGVSHFLR